The following is an entry in ClinVar:

NM_006623.4(PHGDH):c.859del (p.Ser287fs)

Gene: PHGDH (phosphoglycerate dehydrogenase; plus strand). Cytogenetic location: 1p12.
Variant type: Deletion.
Coding change: c.859del on transcript NM_006623.4 (MANE Select); coding-DNA position 859, one base deleted (A; older notation c.859delA).
Protein change: p.Ser287fs; shifts the reading frame from serine 287.
Molecular consequence: frameshift variant.
Genome position (GRCh38, 1-based): chr1:119,737,180, A deleted. VCF-style (leftmost placement, unchanged base first): chr1-119737179-CA-C. GRCh37 (hg19) VCF-style: chr1-120279802-CA-C.
Other names: short protein forms S287fs.
Identifiers: ClinVar variation 2087437 (VCV002087437.4), dbSNP rs1557978852, ClinGen allele CA526249573.

ClinVar aggregate classification (germline): Pathogenic (1 of 4 stars; one submission).

Conditions:
PHGDH deficiency. Identifiers: Orphanet 79351, MedGen C1866174, MONDO:0011152, OMIM 601815.

Allele frequency attached by ClinVar (database versions not stated): gnomAD exomes below 0.00001.

Submission:

Labcorp Genetics (formerly Invitae), Labcorp
Classification: Pathogenic for PHGDH deficiency. Last evaluated: 2024-02-07. Review status: criteria provided, single submitter. Criteria: Invitae Variant Classification Sherloc (09022015). Collection method: clinical testing. Allele origin: germline.
Comment: This sequence change creates a premature translational stop signal (p.Ser287Alafs*21) in the PHGDH gene. It is expected to result in an absent or disrupted protein product. Loss-of-function variants in PHGDH are known to be pathogenic (PMID: 14645240, 24836451). This variant is present in population databases (no rsID available, gnomAD 0.0009%). This variant has not been reported in the literature in individuals affected with PHGDH-related conditions. ClinVar contains an entry for this variant (Variation ID: 2087437). For these reasons, this variant has been classified as Pathogenic.

Literature cited by the submitters: PubMed 14645240; PubMed 24836451.